The following is an entry in ClinVar:

ClinVar aggregate classification (germline): Likely benign (0 of 4 stars; one submission).

Conditions:
SETD1A-related disorder. Also called: SETD1A-related condition.

Allele frequency attached by ClinVar (database versions not stated): ExAC 0.00001; gnomAD exomes 0.00001; gnomAD 0.00003; TOPMed 0.00004.
gnomAD v4.1: 12 of 1,614,054 alleles (0.00074%); highest among the groups gnomAD compares: African/African-American, 0.0093%; no homozygotes.

Submission:

PreventionGenetics, part of Exact Sciences
Classification: Likely benign for SETD1A-related condition. Last evaluated: 2019-07-11. Review status: no assertion criteria provided. Collection method: clinical testing. Allele origin: germline.
Comment: This variant is classified as likely benign based on ACMG/AMP sequence variant interpretation guidelines (Richards et al. 2015 PMID: 25741868, with internal and published modifications).

NM_014712.3(SETD1A):c.4785C>T (p.Ile1595=)

Gene: SETD1A (SET domain containing 1A, histone lysine methyltransferase; plus strand). Cytogenetic location: 16p11.2.
Variant type: single nucleotide variant.
Coding change: c.4785C>T on transcript NM_014712.3 (MANE Select); coding-DNA position 4785, C replaced by T.
Protein change: p.Ile1595=; no amino-acid change (isoleucine 1595 retained).
Molecular consequence: synonymous variant.
Genome position (GRCh38, 1-based): chr16:30,981,153, C>T. VCF-style: chr16-30981153-C-T. GRCh37 (hg19) VCF-style: chr16-30992474-C-T.
Identifiers: ClinVar variation 3049630 (VCV003049630.2), dbSNP rs369099414, ClinGen allele CA8017692.
Genomic context (GRCh38, chr16:30,981,153, plus strand): 5'-CCGGATCCACGAGTGGGGTCTGTTTGCCATGGAACCCATTGCTGCTGACGAGATGGTCAT[C>T]GAATACGTGGGTCAGAACATCCGTCAGGTGAGGCTGCACTCCCAGCCCCGCCCCGGCTTC-3'
Protein context (NP_055527.1, residues 1585-1605): MEPIAADEMV[Ile1595=]EYVGQNIRQM